The following is an entry in ClinVar:

NM_001987.5(ETV6):c.490C>G (p.Pro164Ala)

Gene: ETV6 (ETS variant transcription factor 6; plus strand). Cytogenetic location: 12p13.2.
Variant type: single nucleotide variant.
Coding change: c.490C>G on transcript NM_001987.5 (MANE Select); coding-DNA position 490, C replaced by G.
Protein change: p.Pro164Ala; replaces proline 164 with alanine.
Molecular consequence: missense variant.
Genome position (GRCh38, 1-based): chr12:11,869,450, C>G. VCF-style: chr12-11869450-C-G. GRCh37 (hg19) VCF-style: chr12-12022384-C-G.
Other names: c.487C>G, p.Pro163Ala (NM_001413913.1); c.463C>G, p.Pro155Ala (NM_001413914.1); c.226C>G, p.Pro76Ala (NM_001413915.1); c.490C>G, p.Pro164Ala (NM_001413916.1, NM_001413917.1); short protein forms P155A, P76A, P163A, P164A.
Identifiers: ClinVar variation 4842521 (VCV004842521.1).
Genomic context (GRCh38, chr12:11,869,450, plus strand): 5'-GGGGTCTGTGATTGTCTTTCCCTCTGCTCCACAGATAACTGTGTCCAGAGGACCCCCAGG[C>G]CATCCGTGGATAATGTGCACCATAACCCTCCCACCATTGAACTGTTGCACCGCTCCAGGT-3'
Protein context (NP_001978.1, residues 154-174): EDNCVQRTPR[Pro164Ala]SVDNVHHNPP

ClinVar aggregate classification (germline): Uncertain significance (1 of 4 stars; one submission).

Conditions:
Inborn genetic diseases. Identifiers: MedGen C0950123, MeSH D030342.

gnomAD v4.1: 1 of 1,612,668 alleles (0.000062%); highest among the groups gnomAD compares: Middle Eastern, 0.017%; no homozygotes.

Submission:

Ambry Genetics
Classification: Uncertain significance for Inborn genetic diseases. Last evaluated: 2025-12-23. Review status: criteria provided, single submitter. Criteria: Ambry Variant Classification Scheme 2023. Collection method: clinical testing. Allele origin: germline.
Comment: The p.P164A variant (also known as c.490C>G), located in coding exon 5 of the ETV6 gene, results from a C to G substitution at nucleotide position 490. The proline at codon 164 is replaced by alanine, an amino acid with highly similar properties. This amino acid position is conserved. In addition, this alteration is predicted to be tolerated by in silico analysis. Based on the available evidence, the clinical significance of this variant remains unclear.